The following is an entry in ClinVar:

NC_012920.1(MT-ND2):m.5289A>G

Gene: MT-ND2 (mitochondrially encoded NADH dehydrogenase 2; plus strand).
Variant type: single nucleotide variant.
Genome position: chrM-5289-A-G.
Identifiers: ClinVar variation 692566 (VCV000692566.1), dbSNP rs1603219875, ClinGen allele CA414779689.
Genomic context (GRCh38, chrMT:5,289, plus strand): 5'-CTGCCCCCGCTAACCGGCTTTTTGCCCAAATGGGCCATTATCGAAGAATTCACAAAAAAC[A>G]ATAGCCTCATCATCCCCACCATCATAGCCACCATCACCCTCCTTAACCTCTACTTCTACC-3'

ClinVar aggregate classification (germline): Uncertain significance (1 of 4 stars; one submission).

Conditions:
Leigh syndrome (NULS). Also called: Leigh's necrotizing encephalopathy; Leigh's disease; Leigh Syndrome (mtDNA deletion); Leigh Disease; Subacute necrotizing encephalopathy; Necrotizing encephalopathy infantile subacute of Leigh. Identifiers: Orphanet 506, MedGen C2931891, MONDO:0009723, OMIM 256000.

Submission:

Wong Mito Lab, Molecular and Human Genetics, Baylor College of Medicine
Classification: Uncertain significance for Leigh syndrome. Last evaluated: 2019-10-17. Review status: criteria provided, single submitter. Criteria: Modified ACMG Guidelines (Unpublished). Collection method: clinical testing. Allele origin: germline.
Comment: The NC_012920.1:m.5289A>G (YP_003024027.1:p.Asn274Asp) variant in MTND2 gene is interpretated to be a Uncertain Significance variant based on the modified ACMG guidelines (unpublished). This variant meets the following evidence codes: BP4